The following is an entry in ClinVar:

NM_001384732.1(CPLANE1):c.8491dup (p.Asp2831fs)

Gene: CPLANE1 (ciliogenesis and planar polarity effector complex subunit 1; minus strand). Cytogenetic location: 5p13.2.
Variant type: Duplication.
Coding change: c.8491dup on transcript NM_001384732.1 (MANE Select); coding-DNA position 8491, one base duplicated (G; older notation c.8491dupG).
Protein change: p.Asp2831fs; shifts the reading frame from aspartic acid 2831.
Molecular consequence: frameshift variant.
Genome position (GRCh38, 1-based): chr5:37,142,451, C duplicated on the plus strand (G on the coding strand, the reverse complement: CPLANE1 is on the minus strand). VCF-style (leftmost placement, unchanged base first): chr5-37142450-T-TC. GRCh37 (hg19) VCF-style: chr5-37142552-T-TC.
Other names: c.8329dup, p.Asp2777fs (NM_023073.4); short protein forms D2831fs, D2777fs.
Identifiers: ClinVar variation 1457872 (VCV001457872.6), dbSNP rs2150407470, ClinGen allele CA2573139587.
Genomic context (GRCh38, chr5:37,142,450, plus strand): 5'-CCAGAATAATTTTCTGTTATTGAAAATTCAGGTTCTGAAGTCTCCTTTTTGTCACTTTGA[T>TC]CTTCTTCATCCATATGGGTCAAAAAACGCACTAATCCAGAGTATATATTACAATTAAAAT-3'

ClinVar aggregate classification (germline): Pathogenic (1 of 4 stars; one submission).

Submission:

Labcorp Genetics (formerly Invitae), Labcorp
Classification: Pathogenic. Last evaluated: 2021-09-15. Review status: criteria provided, single submitter. Criteria: Invitae Variant Classification Sherloc (09022015). Collection method: clinical testing. Allele origin: germline.
Comment: For these reasons, this variant has been classified as Pathogenic. This variant has not been reported in the literature in individuals affected with CPLANE1-related conditions. This variant is not present in population databases (ExAC no frequency). This sequence change creates a premature translational stop signal (p.Asp2777Glyfs*4) in the CPLANE1 gene. It is expected to result in an absent or disrupted protein product. Loss-of-function variants in CPLANE1 are known to be pathogenic (PMID: 24178751, 26092869).

Literature cited by the submitters: PubMed 24178751; PubMed 26092869.